The following is an entry in ClinVar:

NM_000478.6(ALPL):c.1084G>A (p.Ala362Thr)

Gene: ALPL (alkaline phosphatase, biomineralization associated; plus strand). Cytogenetic location: 1p36.12.
Variant type: single nucleotide variant.
Coding change: c.1084G>A on transcript NM_000478.6 (MANE Select); coding-DNA position 1084, G replaced by A.
Protein change: p.Ala362Thr; replaces alanine 362 with threonine.
Molecular consequence: missense variant.
Genome position (GRCh38, 1-based): chr1:21,575,819, G>A. VCF-style: chr1-21575819-G-A. GRCh37 (hg19) VCF-style: chr1-21902312-G-A.
Other names: c.919G>A, p.Ala307Thr (NM_001127501.4); c.853G>A, p.Ala285Thr (NM_001177520.3); c.1084G>A, p.Ala362Thr (NM_001369803.2, NM_001369804.2, NM_001369805.2); short protein forms A285T, A307T, A362T.
Identifiers: ClinVar variation 2635021 (VCV002635021.7), dbSNP rs1359964637, ClinGen allele CA338881197.

ClinVar aggregate classification (germline): Uncertain significance. Review status: criteria provided, multiple submitters, no conflicts (2 of 4 stars). 2 submissions from 2 submitters: Uncertain significance (2). Last evaluated 2025-02-10.

Conditions:
ALPL-related disorder. Also called: ALPL-related condition; ALPL-related disorders.

Allele frequency attached by ClinVar (database versions not stated): TOPMed 0.00004.
gnomAD v4.1: 10 of 1,614,260 alleles (0.00062%); highest among the groups gnomAD compares: Non-Finnish European, 0.00085%; no homozygotes.

Submissions (2):

PreventionGenetics, part of Exact Sciences
Classification: Uncertain significance for ALPL-related condition. Last evaluated: 2025-02-10. Review status: criteria provided, single submitter. Criteria: ACMG Guidelines, 2015. Collection method: clinical testing. Allele origin: germline.
Comment: The ALPL c.1084G>A variant is predicted to result in the amino acid substitution p.Ala362Thr. This variant in the heterozygous condition has been reported in two individuals with pseudoxanthoma elasticum, these two individuals also have 1 or 2 pathogenic variants in ABCC6 (Table S1, referred to as NM_001177520:c.853G>A (p.Ala285Thr), Saeidian et al 2022. PubMed ID: 34906475). This variant is reported in 0.00088% of alleles in individuals of European (Non-Finnish) descent in gnomAD. At this time, the clinical significance of this variant is uncertain due to the absence of conclusive functional and genetic evidence.

Labcorp Genetics (formerly Invitae), Labcorp
Classification: Uncertain significance. Last evaluated: 2024-07-31. Review status: criteria provided, single submitter. Criteria: Invitae Variant Classification Sherloc (09022015). Collection method: clinical testing. Allele origin: germline.
Comment: This sequence change replaces alanine, which is neutral and non-polar, with threonine, which is neutral and polar, at codon 362 of the ALPL protein (p.Ala362Thr). This variant is present in population databases (no rsID available, gnomAD 0.0009%). This missense change has been observed in individual(s) with pseudoxanthoma elasticum (PMID: 34906475). ClinVar contains an entry for this variant (Variation ID: 2635021). Advanced modeling of protein sequence and biophysical properties (such as structural, functional, and spatial information, amino acid conservation, physicochemical variation, residue mobility, and thermodynamic stability) performed at Invitae indicates that this missense variant is expected to disrupt ALPL protein function with a positive predictive value of 95%. In summary, the available evidence is currently insufficient to determine the role of this variant in disease. Therefore, it has been classified as a Variant of Uncertain Significance.

Literature cited by the submitters: PubMed 34906475 (cited by Labcorp Genetics (formerly Invitae), Labcorp).